The following is an entry in ClinVar:

NM_001256012.3(MYH10):c.5388+4G>A

Gene: MYH10 (myosin heavy chain 10; minus strand). Cytogenetic location: 17p13.1.
Variant type: single nucleotide variant.
Coding change: c.5388+4G>A on transcript NM_001256012.3 (MANE Select); 4 bases into the intron after coding-DNA position 5388, G replaced by A.
Molecular consequence: intron variant.
Genome position (GRCh38, 1-based): chr17:8,480,398, C>T on the plus strand (G>A on the coding strand, the complement: MYH10 is on the minus strand). VCF-style: chr17-8480398-C-T. GRCh37 (hg19) VCF-style: chr17-8383716-C-T.
Other names: c.5325+4G>A (NM_001375266.1); c.5295+4G>A (NM_005964.5); c.5322+4G>A (NM_001256095.2).
Identifiers: ClinVar variation 3234224 (VCV003234224.20), dbSNP rs200860507, ClinGen allele CA8376839.

ClinVar aggregate classification (germline): Likely benign (1 of 4 stars; one submission).

Allele frequency attached by ClinVar (database versions not stated): ExAC 0.00028; gnomAD 0.00029; 1000 Genomes Project 30x 0.00016; 1000 Genomes Project 0.00020; gnomAD exomes 0.00035; ESP Exome Variant Server 0.00046; TOPMed 0.00046.
gnomAD v4.1: 575 of 1,613,380 alleles (0.036%); highest among the groups gnomAD compares: Middle Eastern, 0.18%; 1 homozygote.

Submission:

CeGaT Center for Human Genetics Tuebingen
Classification: Likely benign. Last evaluated: 2024-04-01. Review status: criteria provided, single submitter. Criteria: CeGaT Center For Human Genetics Tuebingen Variant Classification Criteria Version 2. Collection method: clinical testing. Allele origin: germline. Affected: yes. Observed: 1 variant allele.
Comment: MYH10: BP4